The following is an entry in ClinVar:

ClinVar aggregate classification (germline): Uncertain significance (1 of 4 stars; one submission).

Conditions:
Epileptic encephalopathy. Identifiers: MedGen C0543888, HP:0200134.

Allele frequency attached by ClinVar (database versions not stated): gnomAD 0.00003; gnomAD exomes 0.00005 and 0.00013; TOPMed 0.00006; ExAC 0.00011; 1000 Genomes Project 0.00040; 1000 Genomes Project 30x 0.00047.
gnomAD v4.1: 191 of 1,591,866 alleles (0.012%); highest among the groups gnomAD compares: East Asian, 0.032%; no homozygotes.

Submission:

Labcorp Genetics (formerly Invitae), Labcorp
Classification: Uncertain significance for Epileptic encephalopathy. Last evaluated: 2022-07-11. Review status: criteria provided, single submitter. Criteria: Invitae Variant Classification Sherloc (09022015). Collection method: clinical testing. Allele origin: germline.
Comment: This sequence change replaces arginine, which is basic and polar, with histidine, which is basic and polar, at codon 1518 of the RYR3 protein (p.Arg1518His). The frequency data for this variant in the population databases is considered unreliable, as metrics indicate poor data quality at this position in the gnomAD database. This variant has not been reported in the literature in individuals affected with RYR3-related conditions. ClinVar contains an entry for this variant (Variation ID: 847272). Algorithms developed to predict the effect of missense changes on protein structure and function are either unavailable or do not agree on the potential impact of this missense change (SIFT: "Deleterious"; PolyPhen-2: "Benign"; Align-GVGD: "Class C25"). In summary, the available evidence is currently insufficient to determine the role of this variant in disease. Therefore, it has been classified as a Variant of Uncertain Significance.

NM_001036.6(RYR3):c.4553G>A (p.Arg1518His)

Gene: RYR3 (ryanodine receptor 3; plus strand). Cytogenetic location: 15q14.
Variant type: single nucleotide variant.
Coding change: c.4553G>A on transcript NM_001036.6 (MANE Select); coding-DNA position 4553, G replaced by A.
Protein change: p.Arg1518His; replaces arginine 1518 with histidine.
Molecular consequence: missense variant.
Genome position (GRCh38, 1-based): chr15:33,660,354, G>A. VCF-style: chr15-33660354-G-A. GRCh37 (hg19) VCF-style: chr15-33952555-G-A.
Other names: c.4553G>A, p.Arg1518His (NM_001243996.4); short protein forms R1518H.
Identifiers: ClinVar variation 847272 (VCV000847272.10), dbSNP rs201954117, ClinGen allele CA7459038.